The following is an entry in ClinVar:

NM_001291303.3(FAT4):c.5456G>C (p.Gly1819Ala)

Gene: FAT4 (FAT atypical cadherin 4; plus strand). Cytogenetic location: 4q28.1.
Variant type: single nucleotide variant.
Coding change: c.5456G>C on transcript NM_001291303.3 (MANE Select); coding-DNA position 5456, G replaced by C.
Protein change: p.Gly1819Ala; replaces glycine 1819 with alanine.
Molecular consequence: missense variant.
Genome position (GRCh38, 1-based): chr4:125,407,028, G>C. VCF-style: chr4-125407028-G-C. GRCh37 (hg19) VCF-style: chr4-126328183-G-C.
Other names: c.5456G>C, p.Gly1819Ala (NM_001291285.3, NM_024582.6); short protein forms G1819A.
Identifiers: ClinVar variation 2192605 (VCV002192605.2), dbSNP rs764421126, ClinGen allele CA3072726.
Genomic context (GRCh38, chr4:125,407,028, plus strand): 5'-CCAGGCGGTTGGACAGGGAACGCCGCTCCAAATATTCACTGCTAGTTCGTGCTGATGATG[G>C]TCTTCAGTCCTCGGATATGAGAATTAATATCACTGTCAGTGATGTGAATGACCATACACC-3'
Protein context (NP_001278232.1, residues 1809-1829): KYSLLVRADD[Gly1819Ala]LQSSDMRINI

ClinVar aggregate classification (germline): Uncertain significance (1 of 4 stars; one submission).

Allele frequency attached by ClinVar (database versions not stated): ExAC 0.00001; gnomAD 0.00001; TOPMed 0.00002.
gnomAD v4.1: 4 of 1,613,662 alleles (0.00025%); highest among the groups gnomAD compares: African/African-American, 0.0053%; no homozygotes.

Submission:

Labcorp Genetics (formerly Invitae), Labcorp
Classification: Uncertain significance. Last evaluated: 2025-07-28. Review status: criteria provided, single submitter. Criteria: Invitae Variant Classification Sherloc (09022015). Collection method: clinical testing. Allele origin: germline.
Comment: This sequence change replaces glycine, which is neutral and non-polar, with alanine, which is neutral and non-polar, at codon 1819 of the FAT4 protein (p.Gly1819Ala). This variant is present in population databases (rs764421126, gnomAD 0.007%). This variant has not been reported in the literature in individuals affected with FAT4-related conditions. ClinVar contains an entry for this variant (Variation ID: 2192605). Invitae Evidence Modeling of protein sequence and biophysical properties (such as structural, functional, and spatial information, amino acid conservation, physicochemical variation, residue mobility, and thermodynamic stability) indicates that this missense variant is not expected to disrupt FAT4 protein function with a negative predictive value of 95%. In summary, the available evidence is currently insufficient to determine the role of this variant in disease. Therefore, it has been classified as a Variant of Uncertain Significance.